The following is an entry in ClinVar:

NM_032444.4(SLX4):c.5336G>A (p.Arg1779Gln)

Gene: SLX4 (SLX4 structure-specific endonuclease subunit; minus strand). Cytogenetic location: 16p13.3.
Variant type: single nucleotide variant.
Coding change: c.5336G>A on transcript NM_032444.4 (MANE Select); coding-DNA position 5336, G replaced by A.
Protein change: p.Arg1779Gln; replaces arginine 1779 with glutamine.
Molecular consequence: missense variant.
Genome position (GRCh38, 1-based): chr16:3,582,511, C>T on the plus strand (G>A on the coding strand, the complement: SLX4 is on the minus strand). VCF-style: chr16-3582511-C-T. GRCh37 (hg19) VCF-style: chr16-3632512-C-T.
Other names: c.5336G>A (LRG_503t1); short protein forms R1779Q.
Identifiers: ClinVar variation 526388 (VCV000526388.9), dbSNP rs780261532, ClinGen allele CA7865338.

ClinVar aggregate classification (germline): Uncertain significance. Review status: criteria provided, multiple submitters, no conflicts (2 of 4 stars). 2 submissions from 2 submitters: Uncertain significance (2). Last evaluated 2025-09-24.

Conditions:
Fanconi anemia complementation group P. Also called: SLX4-Related Fanconi Anemia. Identifiers: Orphanet 84, MedGen C3469542, MONDO:0013499, OMIM 613951.
Fanconi anemia (FA). Also called: Fanconi's anemia. Identifiers: Orphanet 84, MedGen C0015625, MeSH D005199, MONDO:0019391.

Allele frequency attached by ClinVar (database versions not stated): gnomAD exomes 0.00003 and 0.00005; gnomAD 0.00004; TOPMed 0.00006; ExAC 0.00011.
gnomAD v4.1: 46 of 1,613,940 alleles (0.0029%); highest among the groups gnomAD compares: East Asian, 0.047%; no homozygotes.

Submissions (3):

Labcorp Genetics (formerly Invitae), Labcorp
Classification: Uncertain significance for Fanconi anemia. Last evaluated: 2025-09-24. Review status: criteria provided, single submitter. Criteria: Invitae Variant Classification Sherloc (09022015). Collection method: clinical testing. Allele origin: germline.
Comment: This sequence change replaces arginine, which is basic and polar, with glutamine, which is neutral and polar, at codon 1779 of the SLX4 protein (p.Arg1779Gln). This variant is present in population databases (rs780261532, gnomAD 0.03%). This variant has not been reported in the literature in individuals affected with SLX4-related conditions. ClinVar contains an entry for this variant (Variation ID: 526388). An algorithm developed to predict the effect of missense changes on protein structure and function (PolyPhen-2) suggests that this variant is likely to be tolerated. In summary, the available evidence is currently insufficient to determine the role of this variant in disease. Therefore, it has been classified as a Variant of Uncertain Significance.

Fulgent Genetics
Classification: Uncertain significance for Fanconi anemia complementation group P. Last evaluated: 2024-03-04. Review status: criteria provided, single submitter. Criteria: ACMG Guidelines, 2015. Collection method: clinical testing. Allele origin: germline.

Dr. Peter K. Rogan Lab, Western University
No classification provided (evidence only). Condition: Melanoma. Review status: no classification provided. Collection method: in vitro. Allele origin: not applicable. Functional consequence: retained intron. Not counted in ClinVar's aggregate classification.